The following is an entry in ClinVar:

NM_000292.3(PHKA2):c.594T>A (p.Asn198Lys)

Gene: PHKA2 (phosphorylase kinase regulatory subunit alpha 2; minus strand). Cytogenetic location: Xp22.13.
Variant type: single nucleotide variant.
Coding change: c.594T>A on transcript NM_000292.3 (MANE Select); coding-DNA position 594, T replaced by A.
Protein change: p.Asn198Lys; replaces asparagine 198 with lysine.
Molecular consequence: missense variant.
Genome position (GRCh38, 1-based): chrX:18,945,102, A>T on the plus strand (T>A on the coding strand, the complement: PHKA2 is on the minus strand). VCF-style: chrX-18945102-A-T. GRCh37 (hg19) VCF-style: chrX-18963220-A-T.
Other names: c.594T>A, p.Asn198Lys (NM_001440800.1, NM_001440801.1, NM_001440802.1 and 3 more transcripts); short protein forms N198K.
Identifiers: ClinVar variation 4536195 (VCV004536195.1).

ClinVar aggregate classification (germline): Uncertain significance (1 of 4 stars; one submission).

Submission:

GeneDx
Classification: Uncertain significance. Last evaluated: 2025-06-06. Review status: criteria provided, single submitter. Criteria: GeneDx Variant Classification Process June 2021. Collection method: clinical testing. Allele origin: germline. Affected: yes.
Comment: Not observed at significant frequency in large population cohorts (gnomAD); In silico analysis supports that this missense variant has a deleterious effect on protein structure/function; Has not been previously published as pathogenic or benign to our knowledge